The following is an entry in ClinVar:

Conditions:
Arteriohepatic dysplasia. Also called: Alagille Syndrome. Identifiers: Orphanet 52, MedGen C0085280, MeSH D016738, MONDO:0007318.

Submission:

Gilbert/Spinner Lab, Children's Hospital of Philadelphia
No classification provided (evidence only). Condition: Alagille syndrome. Review status: no classification provided. Collection method: research. Allele origin: not applicable. Functional consequence: functionally_abnormal.
ClinVar note: "not provided" was previously submitted as the classification for the variant. However, the classification appeared to be based only on an observation of functional data so it was converted to no classification on 2025-07-30.

NM_000214.3(JAG1):c.900T>G (p.Cys300Trp)

Gene: JAG1 (jagged canonical Notch ligand 1; minus strand). Cytogenetic location: 20p12.2.
Variant type: single nucleotide variant.
Coding change: c.900T>G on transcript NM_000214.3 (MANE Select); coding-DNA position 900, T replaced by G.
Protein change: p.Cys300Trp; replaces cysteine 300 with tryptophan.
Molecular consequence: missense variant.
Genome position (GRCh38, 1-based): chr20:10,652,237, A>C on the plus strand (T>G on the coding strand, the complement: JAG1 is on the minus strand). VCF-style: chr20-10652237-A-C. GRCh37 (hg19) VCF-style: chr20-10632885-A-C.
Other names: short protein forms C300W.
Identifiers: ClinVar variation 3573402 (VCV003573402.2).